The following is an entry in ClinVar:

ClinVar aggregate classification (germline): Likely benign. Review status: criteria provided, multiple submitters, no conflicts (2 of 4 stars). 4 submissions from 3 submitters: Likely benign (4). Last evaluated 2025-02-23.

Conditions:
Retinitis pigmentosa 39 (RP39). Identifiers: Orphanet 791, MedGen C3151138, MONDO:0013436, OMIM 613809.
Usher syndrome type 2A. Also called: USHER SYNDROME, TYPE IIA; RETINAL DISEASE IN USHER SYNDROME TYPE IIA, MODIFIER OF. Identifiers: Orphanet 231178, Orphanet 886, MedGen C1848634, MONDO:0010169, OMIM 276901.

Submissions (4):

Labcorp Genetics (formerly Invitae), Labcorp
Classification: Likely benign. Last evaluated: 2025-02-23. Review status: criteria provided, single submitter. Criteria: Invitae Variant Classification Sherloc (09022015). Collection method: clinical testing. Allele origin: germline.

Genome-Nilou Lab
Classification: Likely benign for Retinitis pigmentosa 39. Last evaluated: 2023-11-04. Review status: criteria provided, single submitter. Criteria: ACMG Guidelines, 2015. Collection method: clinical testing. Allele origin: germline. Affected: no.

Genome-Nilou Lab
Classification: Likely benign for Usher syndrome type 2A. Last evaluated: 2023-11-04. Review status: criteria provided, single submitter. Criteria: ACMG Guidelines, 2015. Collection method: clinical testing. Allele origin: germline. Affected: no.

CeGaT Center for Human Genetics Tuebingen
Classification: Likely benign. Last evaluated: 2023-10-01. Review status: criteria provided, single submitter. Criteria: CeGaT Center For Human Genetics Tuebingen Variant Classification Criteria Version 2. Collection method: clinical testing. Allele origin: germline. Affected: yes. Observed: 1 variant allele.
Comment: USH2A: PM2:Supporting, BP4, BP7

NM_206933.4(USH2A):c.8355T>G (p.Pro2785=)

Gene: USH2A (usherin; minus strand). Cytogenetic location: 1q41.
Variant type: single nucleotide variant.
Coding change: c.8355T>G on transcript NM_206933.4 (MANE Select); coding-DNA position 8355, T replaced by G.
Protein change: p.Pro2785=; no amino-acid change (proline 2785 retained).
Molecular consequence: synonymous variant.
Genome position (GRCh38, 1-based): chr1:215,878,967, A>C on the plus strand (T>G on the coding strand, the complement: USH2A is on the minus strand). VCF-style: chr1-215878967-A-C. GRCh37 (hg19) VCF-style: chr1-216052309-A-C.
Identifiers: ClinVar variation 1668368 (VCV001668368.31), dbSNP rs2102451831, ClinGen allele CA423430693.